The following is an entry in ClinVar:

ClinVar aggregate classification (germline): Uncertain significance (1 of 4 stars; one submission).

Conditions:
Optic atrophy 3 (OPA3). Also called: OPTIC ATROPHY 3, AUTOSOMAL DOMINANT; Optic atrophy 3 with cataract; Optic atrophy, cataract, and neurologic disorder. Identifiers: Orphanet 67036, MedGen C1833809, MONDO:0008133, OMIM 165300.
3-Methylglutaconic aciduria type 3 (MGCA3). Also called: Costeff Syndrome; OPA3, AUTOSOMAL RECESSIVE; OPTIC ATROPHY 3, AUTOSOMAL RECESSIVE; OPA3-Related 3-Methylglutaconic Aciduria. Identifiers: Orphanet 67047, MedGen C0574084, MONDO:0009787, OMIM 258501.

Submission:

Labcorp Genetics (formerly Invitae), Labcorp
Classification: Uncertain significance for 3-Methylglutaconic aciduria type 3; Optic atrophy 3. Last evaluated: 2022-07-30. Review status: criteria provided, single submitter. Criteria: Invitae Variant Classification Sherloc (09022015). Collection method: clinical testing. Allele origin: germline.
Comment: This sequence change replaces asparagine, which is neutral and polar, with aspartic acid, which is acidic and polar, at codon 25 of the OPA3 protein (p.Asn25Asp). This variant is not present in population databases (gnomAD no frequency). This variant has not been reported in the literature in individuals affected with OPA3-related conditions. Algorithms developed to predict the effect of missense changes on protein structure and function are either unavailable or do not agree on the potential impact of this missense change (SIFT: "Deleterious"; PolyPhen-2: "Probably Damaging"; Align-GVGD: "Class C0"). In summary, the available evidence is currently insufficient to determine the role of this variant in disease. Therefore, it has been classified as a Variant of Uncertain Significance.

NM_025136.4(OPA3):c.73A>G (p.Asn25Asp)

Genes: OPA3 (outer mitochondrial membrane lipid metabolism regulator OPA3; minus strand), OPA3-RTN2 (OPA3-RTN2 readthrough; minus strand), LOC130064709 (ATAC-STARR-seq lymphoblastoid active region 14802; plus strand). Cytogenetic location: 19q13.32.
Variant type: single nucleotide variant.
Coding change: c.73A>G on transcript NM_025136.4 (MANE Select); coding-DNA position 73, A replaced by G.
Protein change: p.Asn25Asp; replaces asparagine 25 with aspartic acid.
Molecular consequence: missense variant.
Genome position (GRCh38, 1-based): chr19:45,584,692, T>C on the plus strand (A>G on the coding strand, the complement: OPA3 is on the minus strand). VCF-style: chr19-45584692-T-C. GRCh37 (hg19) VCF-style: chr19-46087950-T-C.
Other names: c.73A>G, p.Asn25Asp (NM_001017989.3); short protein forms N25D.
Identifiers: ClinVar variation 1714394 (VCV001714394.6), dbSNP rs2513861296, ClinGen allele CA406378594.